The following is an entry in ClinVar:

ClinVar aggregate classification (germline): Pathogenic (1 of 4 stars; one submission).

Conditions:
Kennedy disease (SMAX1). Also called: SPINAL AND BULBAR MUSCULAR ATROPHY, X-LINKED 1; KENNEDY SPINAL AND BULBAR MUSCULAR ATROPHY; Spinal and Bulbar Muscular Atrophy. Identifiers: Orphanet 481, MedGen C1839259, MONDO:0010735, OMIM 313200.
Androgen resistance syndrome (AIS). Also called: DHTR DEFICIENCY; DIHYDROTESTOSTERONE RECEPTOR DEFICIENCY; ANDROGEN RECEPTOR DEFICIENCY; TESTICULAR FEMINIZATION SYNDROME; Androgen insensitivity syndrome; Androgen insensitivity. Identifiers: Orphanet 754, Orphanet 99429, MedGen C0039585, MONDO:0019154, OMIM 300068. Disease mechanism: loss of function.

Submission:

Labcorp Genetics (formerly Invitae), Labcorp
Classification: Pathogenic for Kennedy disease; Androgen resistance syndrome. Last evaluated: 2023-05-10. Review status: criteria provided, single submitter. Criteria: Invitae Variant Classification Sherloc (09022015). Collection method: clinical testing. Allele origin: germline.
Comment: For these reasons, this variant has been classified as Pathogenic. This variant has not been reported in the literature in individuals affected with AR-related conditions. This variant is not present in population databases (gnomAD no frequency). This sequence change creates a premature translational stop signal (p.Asp183Argfs*52) in the AR gene. It is expected to result in an absent or disrupted protein product. Loss-of-function variants in AR are known to be pathogenic (PMID: 19463997).

Literature cited by the submitters: PubMed 19463997.

NM_000044.6(AR):c.546dup (p.Asp183fs)

Gene: AR (androgen receptor; plus strand). Cytogenetic location: Xq12.
Variant type: Duplication.
Coding change: c.546dup on transcript NM_000044.6 (MANE Select); coding-DNA position 546, one base duplicated (A; older notation c.546dupA).
Protein change: p.Asp183fs; shifts the reading frame from aspartic acid 183.
Molecular consequence: frameshift variant. On other transcripts: 5 prime UTR variant (1).
Genome position (GRCh38, 1-based): chrX:67,545,692, A duplicated; the last of 3 consecutive A bases (chrX:67,545,690-67,545,692); duplicating any one gives the same sequence. VCF-style (leftmost placement, unchanged base first): chrX-67545689-T-TA. GRCh37 (hg19) VCF-style: chrX-66765531-T-TA.
Other names: c.-1238dup (NM_001011645.3); c.546dup, p.Asp183fs (NM_001348061.1, NM_001348063.1, NM_001348064.1); c.546dup, p.Asp183Argfs (NM_001424175.1); short protein forms D183fs.
Identifiers: ClinVar variation 2947606 (VCV002947606.3), dbSNP rs2519603661, ClinGen allele CA2740092168.